The following is an entry in ClinVar:

NM_001042492.3(NF1):c.2560C>T (p.Gln854Ter)

Gene: NF1 (neurofibromin 1; plus strand). Cytogenetic location: 17q11.2.
Variant type: single nucleotide variant.
Coding change: c.2560C>T on transcript NM_001042492.3 (MANE Select); coding-DNA position 2560, C replaced by T.
Protein change: p.Gln854Ter; replaces glutamine 854 with a stop codon.
Molecular consequence: nonsense.
Genome position (GRCh38, 1-based): chr17:31,229,175, C>T. VCF-style: chr17-31229175-C-T. GRCh37 (hg19) VCF-style: chr17-29556193-C-T.
Other names: c.2560C>T, p.Gln854Ter (NM_000267.4); short protein forms Q854*.
Identifiers: ClinVar variation 547612 (VCV000547612.13), dbSNP rs1555614261, ClinGen allele CA398984299.

ClinVar aggregate classification (germline): Pathogenic/Likely pathogenic. Review status: criteria provided, multiple submitters, no conflicts (2 of 4 stars). 6 submissions from 6 submitters: Pathogenic (4); Likely pathogenic (2). Last evaluated 2025-12-23.

Conditions:
Neurofibromatosis, type 1 (NF1). Also called: Neurofibromatosis, type I; Peripheral type neurofibromatosis; NEUROFIBROMATOSIS, TYPE I, SOMATIC; VON RECKLINGHAUSEN DISEASE. Identifiers: Orphanet 636, MedGen C0027831, MONDO:0018975, OMIM 162200. Disease mechanism: loss of function.
Cardiovascular phenotype. Identifiers: MedGen CN230736.
Hereditary cancer-predisposing syndrome. Also called: Hereditary neoplastic syndrome; Tumor predisposition; Hereditary Cancer Syndrome; Neoplastic Syndromes, Hereditary. Identifiers: Orphanet 140162, MedGen C0027672, MeSH D009386, MONDO:0015356.

Submissions (6):

Variantyx, Inc.
Classification: Pathogenic for Neurofibromatosis, type 1. Last evaluated: 2025-12-23. Review status: criteria provided, single submitter. Criteria: Variantyx Assertion Criteria 2022. Collection method: clinical testing. Allele origin: germline. Inheritance: Autosomal dominant inheritance. Affected: yes.
Comment: This is a nonsense variant in the NF1 gene (OMIM: 613113). Pathogenic variants in this gene have been associated with autosomal dominant neurofibromatosis type 1. This variant introduces a premature termination codon in exon 21 out of 58 and is expected to result in loss of function, which is a known disease mechanism for NF1 in this disorder (PMID: 34427956) (PVS1). This variant has been reported in at least two affected individuals (PMID: 28955729, 31776437) (PS4), while it is absent from control populations (PM2). Based on the current evidence, this variant is classified as pathogenic for autosomal dominant neurofibromatosis type 1.

Ambry Genetics
Classification: Pathogenic for Cardiovascular phenotype; Hereditary cancer-predisposing syndrome. Last evaluated: 2025-12-05. Review status: criteria provided, single submitter. Criteria: Ambry Variant Classification Scheme 2023. Collection method: clinical testing. Allele origin: germline.
Comment: The p.Q854* pathogenic mutation (also known as c.2560C>T), located in coding exon 21 of the NF1 gene, results from a C to T substitution at nucleotide position 2560. This changes the amino acid from a glutamine to a stop codon within coding exon 21. This variant was reported in individuals with features consistent with Neurofibromatosis type I (Kang E et al. J Hum Genet, 2020 Jan;65:79-89; Kocabey M et al. Int J Dev Neurosci, 2023 Aug;83:456-465; Ambry internal data). This variant is considered to be rare based on population cohorts in the Genome Aggregation Database (gnomAD). This alteration is expected to result in loss of function by premature protein truncation or nonsense-mediated mRNA decay. As such, this alteration is interpreted as a disease-causing mutation.

GeneDx
Classification: Pathogenic. Last evaluated: 2025-03-27. Review status: criteria provided, single submitter. Criteria: GeneDx Variant Classification Process June 2021. Collection method: clinical testing. Allele origin: germline. Affected: yes.
Comment: Nonsense variant predicted to result in protein truncation or nonsense mediated decay in a gene for which loss of function is a known mechanism of disease; Not observed at significant frequency in large population cohorts (gnomAD); Observed in individuals with neurofibromatosis type 1 referred for genetic testing at GeneDx and in published literature (PMID: 28955729); This variant is associated with the following publications: (PMID: 28481359, 28955729, 31776437, 37280783)

Labcorp Genetics (formerly Invitae), Labcorp
Classification: Pathogenic for Neurofibromatosis, type 1. Last evaluated: 2022-11-01. Review status: criteria provided, single submitter. Criteria: Invitae Variant Classification Sherloc (09022015). Collection method: clinical testing. Allele origin: germline.
Comment: For these reasons, this variant has been classified as Pathogenic. ClinVar contains an entry for this variant (Variation ID: 547612). This premature translational stop signal has been observed in individual(s) with neurofibromatosis type 1 and glioma (PMID: 28955729). This variant is not present in population databases (gnomAD no frequency). This sequence change creates a premature translational stop signal (p.Gln854*) in the NF1 gene. It is expected to result in an absent or disrupted protein product. Loss-of-function variants in NF1 are known to be pathogenic (PMID: 10712197, 23913538).

Genome-Nilou Lab
Classification: Likely pathogenic for Neurofibromatosis, type 1. Last evaluated: 2022-03-15. Review status: criteria provided, single submitter. Criteria: ACMG Guidelines, 2015. Collection method: clinical testing. Allele origin: germline. Affected: no.

Center for Human Genetics, Inc
Classification: Likely pathogenic for Neurofibromatosis, type 1. Last evaluated: 2016-11-01. Review status: criteria provided, single submitter. Criteria: ACMG Guidelines, 2015. Collection method: clinical testing. Allele origin: germline. Affected: yes.

Literature cited by the submitters: PubMed 34427956 (cited by Variantyx, Inc.); PubMed 28955729 (cited by Variantyx, Inc. and Labcorp Genetics (formerly Invitae), Labcorp); PubMed 31776437 (cited by Variantyx, Inc. and Ambry Genetics); PubMed 37280783 (cited by Ambry Genetics); PubMed 10712197 (cited by Labcorp Genetics (formerly Invitae), Labcorp); PubMed 23913538 (cited by Labcorp Genetics (formerly Invitae), Labcorp).